The following is an entry in ClinVar:

NM_004360.5(CDH1):c.2640G>A (p.Glu880=)

Gene: CDH1 (cadherin 1; plus strand). Cytogenetic location: 16q22.1.
Variant type: single nucleotide variant.
Coding change: c.2640G>A on transcript NM_004360.5 (MANE Select); coding-DNA position 2640, G replaced by A.
Protein change: p.Glu880=; no amino-acid change (glutamic acid 880 retained).
Molecular consequence: synonymous variant.
Genome position (GRCh38, 1-based): chr16:68,833,490, G>A. VCF-style: chr16-68833490-G-A. GRCh37 (hg19) VCF-style: chr16-68867393-G-A.
Other names: c.2640G>A (LRG_301t1, NM_004360.4); c.2457G>A, p.Glu819= (NM_001317184.2); c.1092G>A, p.Glu364= (NM_001317185.2); c.675G>A, p.Glu225= (NM_001317186.2).
Identifiers: ClinVar variation 219712 (VCV000219712.18), dbSNP rs864622218, ClinGen allele CA349988.
Genomic context (GRCh38, chr16:68,833,490, plus strand): 5'-CTACTTGAACGAATGGGGCAATCGCTTCAAGAAGCTGGCTGACATGTACGGAGGCGGCGA[G>A]GACGACTAGGGGACTCGAGAGAGGCGGGCCCCAGACCCATGTGCTGGGAAATGCAGAAAT-3'
Protein context (NP_004351.1, residues 870-882): KKLADMYGGG[Glu880=]DD

ClinVar aggregate classification (germline): Conflicting classifications of pathogenicity. Review status: criteria provided, conflicting classifications (1 of 4 stars). 7 submissions from 7 submitters: Uncertain significance (1); Benign (1); Likely benign (5). Last evaluated 2026-01-07.

Conditions:
Hereditary cancer-predisposing syndrome. Also called: Hereditary neoplastic syndrome; Hereditary Cancer Syndrome; Neoplastic Syndromes, Hereditary; Tumor predisposition. Identifiers: Orphanet 140162, MedGen C0027672, MeSH D009386, MONDO:0015356.
Prostate cancer. Also called: Malignant tumor of prostate. Identifiers: Orphanet 1331, MedGen C0376358, MONDO:0008315, HP:0012125.
Hereditary diffuse gastric adenocarcinoma (HDGC). Also called: DIFFUSE GASTRIC AND LOBULAR BREAST CANCER SYNDROME. Identifiers: Orphanet 26106, MedGen C1708349, MONDO:0007648, OMIM 137215.

Allele frequency attached by ClinVar (database versions not stated): gnomAD exomes below 0.00001.
gnomAD v4.1: 4 of 1,613,568 alleles (0.00025%); highest among the groups gnomAD compares: Non-Finnish European, 0.00034%; no homozygotes.

Submissions (7):

Labcorp Genetics (formerly Invitae), Labcorp
Classification: Likely benign for Hereditary diffuse gastric adenocarcinoma. Last evaluated: 2026-01-07. Review status: criteria provided, single submitter. Criteria: Invitae Variant Classification Sherloc (09022015). Collection method: clinical testing. Allele origin: germline.

Quest Diagnostics Nichols Institute San Juan Capistrano
Classification: Likely benign. Last evaluated: 2025-01-19. Review status: criteria provided, single submitter. Criteria: Quest Diagnostics criteria. Collection method: clinical testing. Allele origin: unknown.

Myriad Genetics, Inc.
Classification: Benign for Hereditary diffuse gastric adenocarcinoma. Last evaluated: 2024-09-24. Review status: criteria provided, single submitter. Criteria: Myriad Autosomal Dominant, Autosomal Recessive and X-Linked Classification Criteria (2023). Collection method: clinical testing. Allele origin: unknown.
Comment: This variant is considered benign. This variant is a silent/synonymous amino acid change and it is not expected to impact splicing.

KCCC/NGS Laboratory, Kuwait Cancer Control Center
Classification: Likely benign for Familial prostate cancer. Last evaluated: 2023-07-07. Review status: criteria provided, single submitter. Criteria: ACMG Guidelines, 2015. Collection method: clinical testing. Allele origin: germline. Affected: yes.

European Reference Network on Genetic Tumour Risk Syndromes (ERN-GENTURIS), i3s - Instituto de Investigação e Inovação em Saúde, University of Porto
Classification: Uncertain significance for Hereditary diffuse gastric adenocarcinoma. Last evaluated: 2022-08-01. Review status: criteria provided, single submitter. Criteria: Lee et al. (Hum Mutat. 2018). Collection method: clinical testing. Allele origin: germline. Inheritance: Autosomal dominant inheritance. Affected: no. Study: ERN GENTURIS.
Comment: PM2 (PMID: 30311375)

Ambry Genetics
Classification: Likely benign for Hereditary cancer-predisposing syndrome. Last evaluated: 2018-06-25. Review status: criteria provided, single submitter. Criteria: Ambry Variant Classification Scheme 2023. Collection method: clinical testing. Allele origin: germline.

Color Diagnostics, LLC DBA Color Health
Classification: Likely benign for Hereditary cancer-predisposing syndrome. Last evaluated: 2017-04-28. Review status: criteria provided, single submitter. Criteria: ACMG Guidelines, 2015. Collection method: clinical testing. Allele origin: germline.

Literature cited by the submitters: PubMed 36436516 (cited by Quest Diagnostics Nichols Institute San Juan Capistrano and European Reference Network on Genetic Tumour Risk Syndromes (ERN-GENTURIS), i3s - Instituto de Investigação e Inovação em Saúde, University of Porto).